The following is an entry in ClinVar:

ClinVar aggregate classification (germline): Uncertain significance. Review status: criteria provided, multiple submitters, no conflicts (2 of 4 stars). 4 submissions from 4 submitters: Uncertain significance (3). 1 of the submissions does not count toward it. Last evaluated 2026-02-12.

Conditions:
Hereditary cancer-predisposing syndrome. Also called: Neoplastic Syndromes, Hereditary; Tumor predisposition; Hereditary neoplastic syndrome; Hereditary Cancer Syndrome. Identifiers: Orphanet 140162, MedGen C0027672, MeSH D009386, MONDO:0015356.
Ataxia-telangiectasia syndrome (AT). Also called: Cerebello-oculocutaneous telangiectasia; Immunodeficiency with ataxia telangiectasia; Ataxia-telangiectasia; Ataxia telangiectasia (A-T); LOUIS-BAR SYNDROME; Ataxia-telangiectasia, complementation group D. Identifiers: Orphanet 100, MedGen C0004135, MONDO:0008840, OMIM 208900.

Allele frequency attached by ClinVar (database versions not stated): TOPMed 0.00001.

Submissions (4):

GeneDx
Classification: Uncertain significance. Last evaluated: 2026-02-12. Review status: criteria provided, single submitter. Criteria: GeneDx Variant Classification Process June 2021. Collection method: clinical testing. Allele origin: germline. Affected: yes.
Comment: Not observed at significant frequency in large population cohorts (gnomAD); In silico analysis suggests that this missense variant does not alter protein structure/function; Has not been previously published as pathogenic or benign to our knowledge

Labcorp Genetics (formerly Invitae), Labcorp
Classification: Uncertain significance for Ataxia-telangiectasia syndrome. Last evaluated: 2026-01-26. Review status: criteria provided, single submitter. Criteria: Invitae Variant Classification Sherloc (09022015). Collection method: clinical testing. Allele origin: germline.
Comment: This sequence change replaces glycine, which is neutral and non-polar, with serine, which is neutral and polar, at codon 587 of the ATM protein (p.Gly587Ser). This variant is not present in population databases (gnomAD no frequency). This variant has not been reported in the literature in individuals affected with ATM-related conditions. ClinVar contains an entry for this variant (Variation ID: 246372). Invitae Evidence Modeling of protein sequence and biophysical properties (such as structural, functional, and spatial information, amino acid conservation, physicochemical variation, residue mobility, and thermodynamic stability) indicates that this missense variant is not expected to disrupt ATM protein function with a negative predictive value of 95%. In summary, the available evidence is currently insufficient to determine the role of this variant in disease. Therefore, it has been classified as a Variant of Uncertain Significance.

Ambry Genetics
Classification: Uncertain significance for Hereditary cancer-predisposing syndrome. Last evaluated: 2025-07-03. Review status: criteria provided, single submitter. Criteria: Ambry Variant Classification Scheme 2023. Collection method: clinical testing. Allele origin: germline.
Comment: The p.G587S variant (also known as c.1759G>A), located in coding exon 10 of the ATM gene, results from a G to A substitution at nucleotide position 1759. The glycine at codon 587 is replaced by serine, an amino acid with similar properties. This amino acid position is poorly conserved in available vertebrate species. In addition, this alteration is predicted to be tolerated by in silico analysis. Since supporting evidence is limited at this time, the clinical significance of this alteration remains unclear.

Natera, Inc.
Classification: Uncertain significance for Ataxia-telangiectasia. Last evaluated: 2025-03-03. Review status: no assertion criteria provided. Collection method: clinical testing. Allele origin: germline. Not counted in ClinVar's aggregate classification.

NM_000051.4(ATM):c.1759G>A (p.Gly587Ser)

Gene: ATM (ATM serine/threonine kinase; plus strand). Cytogenetic location: 11q22.3.
Variant type: single nucleotide variant.
Coding change: c.1759G>A on transcript NM_000051.4 (MANE Select); coding-DNA position 1759, G replaced by A.
Protein change: p.Gly587Ser; replaces glycine 587 with serine.
Molecular consequence: missense variant.
Genome position (GRCh38, 1-based): chr11:108,251,988, G>A. VCF-style: chr11-108251988-G-A. GRCh37 (hg19) VCF-style: chr11-108122715-G-A.
Other names: c.1759G>A, p.Gly587Ser (NM_001351834.2); short protein forms G587S.
Identifiers: ClinVar variation 246372 (VCV000246372.16), dbSNP rs879254227, ClinGen allele CA10584325.
Genomic context (GRCh38, chr11:108,251,988, plus strand): 5'-AATAGAAGCTTTTCTTTAAAGGAATCAATAATGAAATGGCTCTTATTCTATCAGTTAGAG[G>A]GTGACTTAGAAAATAGCACAGAAGTGCCTCCAATTCTTCACAGGTAATTTAAGTTCATTA-3'
Protein context (NP_000042.3, residues 577-597): MKWLLFYQLE[Gly587Ser]DLENSTEVPP